The following is an entry in ClinVar:

ClinVar aggregate classification (germline): Uncertain significance. Review status: criteria provided, multiple submitters, no conflicts (2 of 4 stars). 2 submissions from 2 submitters: Uncertain significance (2). Last evaluated 2025-08-29.

Conditions:
Inborn genetic diseases. Identifiers: MedGen C0950123, MeSH D030342.

Allele frequency attached by ClinVar (database versions not stated): gnomAD exomes 0.00001.
gnomAD v4.1: 8 of 1,614,018 alleles (0.0005%); highest among the groups gnomAD compares: Non-Finnish European, 0.00068%; no homozygotes.

Submissions (2):

Ambry Genetics
Classification: Uncertain significance for Inborn genetic diseases. Last evaluated: 2025-08-29. Review status: criteria provided, single submitter. Criteria: Ambry Variant Classification Scheme 2023. Collection method: clinical testing. Allele origin: germline.

CeGaT Center for Human Genetics Tuebingen
Classification: Uncertain significance. Last evaluated: 2022-04-01. Review status: criteria provided, single submitter. Criteria: CeGaT Center For Human Genetics Tuebingen Variant Classification Criteria Version 2. Collection method: clinical testing. Allele origin: germline. Affected: yes. Observed: 1 variant allele.
Comment: ATP8A2: PM2

NM_016529.6(ATP8A2):c.96G>C (p.Leu32Phe)

Gene: ATP8A2 (ATPase phospholipid transporting 8A2). Cytogenetic location: 13q12.13.
Variant type: single nucleotide variant.
Coding change: c.96G>C on transcript NM_016529.6 (MANE Select); coding-DNA position 96, G replaced by C.
Protein change: p.Leu32Phe; replaces leucine 32 with phenylalanine.
Molecular consequence: missense variant. On other transcripts: 5 prime UTR variant (1).
Genome position (GRCh38, 1-based): chr13:25,468,996, G>C. VCF-style: chr13-25468996-G-C. GRCh37 (hg19) VCF-style: chr13-26043134-G-C.
Other names: c.96G>C (NM_016529.4); c.-25G>C (NM_001313741.1); c.96G>C, p.Leu32Phe (NM_001411005.1, NM_001411006.1); short protein forms L32F.
Identifiers: ClinVar variation 2643701 (VCV002643701.25), dbSNP rs1217474141, ClinGen allele CA387680328.